The following is an entry in ClinVar:

NM_182914.3(SYNE2):c.13336G>A (p.Gly4446Ser)

Gene: SYNE2 (spectrin repeat containing nuclear envelope protein 2; plus strand). Cytogenetic location: 14q23.2.
Variant type: single nucleotide variant.
Coding change: c.13336G>A on transcript NM_182914.3 (MANE Select); coding-DNA position 13336, G replaced by A.
Protein change: p.Gly4446Ser; replaces glycine 4446 with serine.
Molecular consequence: missense variant.
Genome position (GRCh38, 1-based): chr14:64,122,341, G>A. VCF-style: chr14-64122341-G-A. GRCh37 (hg19) VCF-style: chr14-64589059-G-A.
Other names: c.13336G>A, p.Gly4446Ser (NM_015180.6); short protein forms G4446S.
Identifiers: ClinVar variation 377308 (VCV000377308.3), dbSNP rs1057520190, ClinGen allele CA16603334.

ClinVar aggregate classification (germline): Uncertain significance (1 of 4 stars; one submission).

Allele frequency attached by ClinVar (database versions not stated): gnomAD exomes below 0.00001; gnomAD 0.00001.
gnomAD v4.1: 8 of 1,613,908 alleles (0.0005%); highest among the groups gnomAD compares: South Asian, 0.0033%; no homozygotes.

Submission:

Center for Pediatric Genomic Medicine, Children's Mercy Hospital and Clinics
Classification: Uncertain significance. Last evaluated: 2016-11-08. Review status: criteria provided, single submitter. Criteria: ACMG Guidelines, 2015. Collection method: clinical testing. Allele origin: germline.
ClinVar note: Converted during submission from Uncertain Significance to Uncertain significance.